The following is an entry in ClinVar:

ClinVar aggregate classification (germline): Uncertain significance. Review status: criteria provided, multiple submitters, no conflicts (2 of 4 stars). 3 submissions from 3 submitters: Uncertain significance (2). 1 of the submissions does not count toward it. Last evaluated 2022-07-12.

Conditions:
CRB1-related disorder. Also called: CRB1-related disorders; CRB1-related condition.
Leber congenital amaurosis 8 (LCA8). Identifiers: Orphanet 65, MedGen C3151202, MONDO:0013453, OMIM 613835.
Retinitis pigmentosa 12 (RP12). Also called: RP WITH OR WITHOUT PRESERVED PARAARTERIOLE RETINAL PIGMENT EPITHELIUM; RETINITIS PIGMENTOSA WITH OR WITHOUT PARAARTERIOLAR PRESERVATION OF RETINAL PIGMENT EPITHELIUM; RP WITH OR WITHOUT PPRPE. Identifiers: Orphanet 791, MedGen C1838647, MONDO:0010818, OMIM 600105.

gnomAD v4.1: 1 of 1,614,172 alleles (0.000062%); highest among the groups gnomAD compares: Non-Finnish European, 0.000085%; no homozygotes.

Submissions (3):

Labcorp Genetics (formerly Invitae), Labcorp
Classification: Uncertain significance for Leber congenital amaurosis 8; Retinitis pigmentosa 12. Last evaluated: 2022-07-12. Review status: criteria provided, single submitter. Criteria: Invitae Variant Classification Sherloc (09022015). Collection method: clinical testing. Allele origin: germline.
Comment: This sequence change replaces cysteine, which is neutral and slightly polar, with tyrosine, which is neutral and polar, at codon 228 of the CRB1 protein (p.Cys228Tyr). This variant is not present in population databases (gnomAD no frequency). This variant has not been reported in the literature in individuals affected with CRB1-related conditions. ClinVar contains an entry for this variant (Variation ID: 1433914). Advanced modeling of protein sequence and biophysical properties (such as structural, functional, and spatial information, amino acid conservation, physicochemical variation, residue mobility, and thermodynamic stability) performed at Invitae indicates that this missense variant is expected to disrupt CRB1 protein function. In summary, the available evidence is currently insufficient to determine the role of this variant in disease. Therefore, it has been classified as a Variant of Uncertain Significance.

Blueprint Genetics
Classification: Uncertain significance. Last evaluated: 2022-06-23. Review status: criteria provided, single submitter. Criteria: ACMG Guidelines, 2015. Collection method: clinical testing. Allele origin: germline.

PreventionGenetics, part of Exact Sciences
Classification: Uncertain significance for CRB1-related condition. Last evaluated: 2024-05-04. Review status: no assertion criteria provided. Collection method: clinical testing. Allele origin: germline. Not counted in ClinVar's aggregate classification.
Comment: The CRB1 c.683G>A variant is predicted to result in the amino acid substitution p.Cys228Tyr. This variant has been reported in an individual with autosomal recessive retinal disease (Table S1, Karali et al. 2022. PubMed ID: 36460718). This variant has not been reported in a large population database, indicating this variant is rare. Although we suspect that this variant may be pathogenic, at this time, the clinical significance of this variant is uncertain due to the absence of conclusive functional and genetic evidence.

NM_201253.3(CRB1):c.683G>A (p.Cys228Tyr)

Gene: CRB1 (crumbs cell polarity complex component 1; plus strand). Cytogenetic location: 1q31.3.
Variant type: single nucleotide variant.
Coding change: c.683G>A on transcript NM_201253.3 (MANE Select); coding-DNA position 683, G replaced by A.
Protein change: p.Cys228Tyr; replaces cysteine 228 with tyrosine.
Molecular consequence: missense variant. On other transcripts: non-coding transcript variant (2), intron variant (1).
Genome position (GRCh38, 1-based): chr1:197,344,311, G>A. VCF-style: chr1-197344311-G-A. GRCh37 (hg19) VCF-style: chr1-197313441-G-A.
Other names: c.683G>A (NM_201253.2); c.476G>A, p.Cys159Tyr (NM_001257965.2); c.683G>A, p.Cys228Tyr (NM_001257966.2); c.653-12520G>A (NM_001193640.2); short protein forms C228Y, C159Y.
Identifiers: ClinVar variation 1433914 (VCV001433914.10), dbSNP rs1163013240, ClinGen allele CA344083168.